The following is an entry in ClinVar:

ClinVar aggregate classification (germline): Likely pathogenic (1 of 4 stars; one submission).

Conditions:
Intellectual developmental disorder, autosomal dominant 41. Also called: Intellectual disability, autosomal dominant 41. Identifiers: Orphanet 2823, MedGen C4310784, MONDO:0014842, OMIM 616944.

Submission:

3billion
Classification: Likely pathogenic for Intellectual developmental disorder, autosomal dominant 41. Last evaluated: 2024-06-25. Review status: criteria provided, single submitter. Criteria: ACMG Guidelines, 2015. Collection method: clinical testing. Allele origin: germline. Affected: yes.
Comment: The variant is not observed in the gnomAD v4.0.0 dataset. Predicted Consequence/Location: Frameshift: predicted to result in a loss or disruption of normal protein function through nonsense-mediated decay (NMD) or protein truncation. Multiple pathogenic variants are reported downstream of the variant. Therefore, this variant is classified as Likely pathogenic according to the recommendation of ACMG/AMP guideline.

NM_024665.7(TBL1XR1):c.6_21del (p.Ser2fs)

Gene: TBL1XR1 (TBL1X/Y related 1; minus strand). Cytogenetic location: 3q26.32.
Variant type: Deletion.
Coding change: c.6_21del on transcript NM_024665.7 (MANE Select); coding-DNA positions 6 to 21, 16 bases deleted (TATAAGCAGTGATGAG).
Protein change: p.Ser2fs; shifts the reading frame from serine 2.
Molecular consequence: frameshift variant, initiator codon variant. On other transcripts: intron variant (2).
Genome position (GRCh38, 1-based): chr3:177,064,957-177,064,972, CTCATCACTGCTTATA deleted on the plus strand (TATAAGCAGTGATGAG on the coding strand, the reverse complement: TBL1XR1 is on the minus strand); deleting any 16 consecutive bases within chr3:177,064,957-177,064,978 gives the same sequence; the c. name uses the placement nearest the transcript's 3' end. VCF-style (leftmost placement, unchanged base first): chr3-177064956-CCTCATCACTGCTTATA-C. GRCh37 (hg19) VCF-style: chr3-176782744-CCTCATCACTGCTTATA-C.
Other names: c.6_21del, p.Ser2fs (NM_001321193.3, NM_001321194.3, NM_001374327.1 and 2 more transcripts); c.-203-11054_-203-11039del (NM_001374330.1, NM_001321195.3); short protein forms S2fs.
Identifiers: ClinVar variation 4292771 (VCV004292771.1).